The following is an entry in ClinVar:

ClinVar aggregate classification (germline): Uncertain significance (1 of 4 stars; one submission).

Conditions:
Inborn genetic diseases. Identifiers: MedGen C0950123, MeSH D030342.

Submission:

Ambry Genetics
Classification: Uncertain significance for Inborn genetic diseases. Last evaluated: 2025-02-10. Review status: criteria provided, single submitter. Criteria: Ambry Variant Classification Scheme 2023. Collection method: clinical testing. Allele origin: germline.
Comment: The p.K961N variant (also known as c.2883G>C), located in coding exon 29 of the RTEL1 gene, results from a G to C substitution at nucleotide position 2883. The lysine at codon 961 is replaced by asparagine, an amino acid with similar properties. This amino acid position is conserved. In addition, this alteration is predicted to be tolerated by in silico analysis. Based on the available evidence, the clinical significance of this variant remains unclear.

NM_001283009.2(RTEL1):c.2883G>C (p.Lys961Asn)

Genes: RTEL1 (regulator of telomere elongation helicase 1; plus strand), RTEL1-TNFRSF6B (RTEL1-TNFRSF6B readthrough (NMD candidate); plus strand). Cytogenetic location: 20q13.33.
Variant type: single nucleotide variant.
Coding change: c.2883G>C on transcript NM_001283009.2 (MANE Select); coding-DNA position 2883, G replaced by C.
Protein change: p.Lys961Asn; replaces lysine 961 with asparagine.
Molecular consequence: missense variant. On other transcripts: non-coding transcript variant (1).
Genome position (GRCh38, 1-based): chr20:63,693,174, G>C. VCF-style: chr20-63693174-G-C. GRCh37 (hg19) VCF-style: chr20-62324527-G-C.
Other names: c.2214G>C, p.Lys738Asn (NM_001283010.1); c.2883G>C, p.Lys961Asn (NM_016434.4); c.2955G>C, p.Lys985Asn (NM_032957.5); short protein forms K985N, K738N, K961N.
Identifiers: ClinVar variation 3791142 (VCV003791142.1).
Genomic context (GRCh38, chr20:63,693,174, plus strand): 5'-GATGGGGACAGACGCCCCTTCCTCTACAGGCTTCTACCAGTTTGTGCGGCCCCACCATAA[G>C]CAGCAGTTTGAGGAGGTCTGTATCCAGCTGACAGGACGAGGCTGTGGCTATCGGCCTGAG-3'
Protein context (NP_001269938.1, residues 951-971): GFYQFVRPHH[Lys961Asn]QQFEEVCIQL